The following is an entry in ClinVar:

ClinVar aggregate classification (germline): Pathogenic (1 of 4 stars; one submission).

Conditions:
Sandhoff disease. Also called: HEXOSAMINIDASES A AND B DEFICIENCY; Beta-hexosaminidase-beta-subunit deficiency; GM2 gangliosidosis, type 2; Total hexosaminidase deficiency; Sandhoff-Jatzkewitz-Pilz disease; GM2-GANGLIOSIDOSIS, TYPE II. Identifiers: Orphanet 796, MedGen C0036161, MONDO:0010006, OMIM 268800.

Submission:

Myriad Genetics, Inc.
Classification: Pathogenic for Sandhoff disease. Last evaluated: 2024-04-10. Review status: criteria provided, single submitter. Criteria: Myriad Autosomal Dominant, Autosomal Recessive and X-Linked Classification Criteria (2023). Collection method: clinical testing. Allele origin: unknown.
Comment: NM_000521.3(HEXB):c.1389C>A(Y463*) is expected to be pathogenic in the context of Sandhoff disease. This variant is predicted to lead to an abnormal or absent protein product due to the creation of a premature termination codon in HEXB, a gene where loss-of-function variants are known to be pathogenic. Please note: this variant was assessed in the context of healthy population screening.

NM_000521.4(HEXB):c.1389C>A (p.Tyr463Ter)

Gene: HEXB (hexosaminidase subunit beta; plus strand). Cytogenetic location: 5q13.3.
Variant type: single nucleotide variant.
Coding change: c.1389C>A on transcript NM_000521.4 (MANE Select); coding-DNA position 1389, C replaced by A.
Protein change: p.Tyr463Ter; replaces tyrosine 463 with a stop codon.
Molecular consequence: nonsense.
Genome position (GRCh38, 1-based): chr5:74,718,943, C>A. VCF-style: chr5-74718943-C-A. GRCh37 (hg19) VCF-style: chr5-74014768-C-A.
Other names: c.714C>A, p.Tyr238Ter (NM_001292004.2); short protein forms Y238*, Y463*.
Identifiers: ClinVar variation 5012911 (VCV005012911.1).
Genomic context (GRCh38, chr5:74,718,943, plus strand): 5'-AATCCTTTCTGCTCCTTGGTACTTAGATTTGATTAGCTATGGACAAGATTGGAGGAAATA[C>A]TATAAAGTGGAACCTCTTGATTTTGGCGGTAAGTGAAGCAGTTGGTCCAAGTGTTGTGGG-3'